The following is an entry in ClinVar:

NM_205836.3(FBXO38):c.1471A>C (p.Asn491His)

Gene: FBXO38 (F-box protein 38; plus strand). Cytogenetic location: 5q32.
Variant type: single nucleotide variant.
Coding change: c.1471A>C on transcript NM_205836.3 (MANE Select); coding-DNA position 1471, A replaced by C.
Protein change: p.Asn491His; replaces asparagine 491 with histidine.
Molecular consequence: missense variant.
Genome position (GRCh38, 1-based): chr5:148,417,057, A>C. VCF-style: chr5-148417057-A-C. GRCh37 (hg19) VCF-style: chr5-147796620-A-C.
Other names: c.1471A>C, p.Asn491His (NM_001271723.2, NM_030793.5); short protein forms N491H.
Identifiers: ClinVar variation 577289 (VCV000577289.10), dbSNP rs1561531225, ClinGen allele CA361659791.

ClinVar aggregate classification (germline): Uncertain significance (1 of 4 stars; one submission).

Conditions:
Distal hereditary motor neuropathy type 2. Identifiers: Orphanet 139525, MedGen C3711384, MeSH C580044, MONDO:0015352.

Submission:

Labcorp Genetics (formerly Invitae), Labcorp
Classification: Uncertain significance for Distal hereditary motor neuropathy type 2. Last evaluated: 2018-06-28. Review status: criteria provided, single submitter. Criteria: Invitae Variant Classification Sherloc (09022015). Collection method: clinical testing. Allele origin: germline.
Comment: This sequence change replaces asparagine with histidine at codon 491 of the FBXO38 protein (p.Asn491His). The asparagine residue is moderately conserved and there is a small physicochemical difference between asparagine and histidine. In summary, the available evidence is currently insufficient to determine the role of this variant in disease. Therefore, it has been classified as a Variant of Uncertain Significance. Algorithms developed to predict the effect of missense changes on protein structure and function are either unavailable or do not agree on the potential impact of this missense change (SIFT: "Deleterious"; PolyPhen-2: "Probably Damaging"; Align-GVGD: "Class C0"). This variant has not been reported in the literature in individuals with FBXO38-related disease. This variant is not present in population databases (ExAC no frequency).